The following is an entry in ClinVar:

NM_005045.4(RELN):c.6779TTC[1] (p.Leu2261del)

Gene: RELN (reelin; minus strand). Cytogenetic location: 7q22.1.
Variant type: Microsatellite.
Coding change: c.6779TTC[1] on transcript NM_005045.4 (MANE Select); one copy of the 3-base unit TTC starting at c.6779; the reference has two copies in a row; one copy, 3 bases deleted.
Protein change: p.Leu2261del; deletes leucine 2261.
Genome position (GRCh38, 1-based): chr7:103,540,343-103,540,345, GAA deleted on the plus strand (TTC on the coding strand, the reverse complement: RELN is on the minus strand); deleting any 3 consecutive bases within chr7:103,540,343-103,540,350 gives the same sequence; the position shown is the placement nearest the transcript's 3' end. VCF-style (leftmost placement, unchanged base first): chr7-103540342-TGAA-T. GRCh37 (hg19) VCF-style: chr7-103180789-TGAA-T.
Other names: c.6779TTC[1], p.Leu2261del (NM_173054.3); short protein forms L2261del.
Identifiers: ClinVar variation 4788939 (VCV004788939.1).

ClinVar aggregate classification (germline): Uncertain significance (1 of 4 stars; one submission).

Conditions:
Norman-Roberts syndrome (LIS2). Also called: Lissencephaly 2 (Norman-Roberts type). Identifiers: Orphanet 89844, MedGen C0796089, MONDO:0009760, OMIM 257320.
Familial temporal lobe epilepsy 7. Identifiers: Orphanet 101046, MedGen C4225327, MONDO:0014639, OMIM 616436.

Submission:

Labcorp Genetics (formerly Invitae), Labcorp
Classification: Uncertain significance for Familial temporal lobe epilepsy 7; Norman-Roberts syndrome. Last evaluated: 2025-06-11. Review status: criteria provided, single submitter. Criteria: Invitae Variant Classification Sherloc (09022015). Collection method: clinical testing. Allele origin: germline.
Comment: This variant, c.6782_6784del, results in the deletion of 1 amino acid(s) of the RELN protein (p.Leu2261del), but otherwise preserves the integrity of the reading frame. This variant is present in population databases (rs754395323, gnomAD 0.003%). This variant has not been reported in the literature in individuals affected with RELN-related conditions. Experimental studies and prediction algorithms are not available or were not evaluated, and the functional significance of this variant is currently unknown. In summary, the available evidence is currently insufficient to determine the role of this variant in disease. Therefore, it has been classified as a Variant of Uncertain Significance.